The following is an entry in ClinVar:

NM_001042681.2(RERE):c.2717C>T (p.Ala906Val)

Gene: RERE (arginine-glutamic acid dipeptide repeats; minus strand). Cytogenetic location: 1p36.23.
Variant type: single nucleotide variant.
Coding change: c.2717C>T on transcript NM_001042681.2 (MANE Select); coding-DNA position 2717, C replaced by T.
Protein change: p.Ala906Val; replaces alanine 906 with valine.
Molecular consequence: missense variant.
Genome position (GRCh38, 1-based): chr1:8,360,790, G>A on the plus strand (C>T on the coding strand, the complement: RERE is on the minus strand). VCF-style: chr1-8360790-G-A. GRCh37 (hg19) VCF-style: chr1-8420850-G-A.
Other names: c.1055C>T, p.Ala352Val (NM_001042682.2); c.2717C>T, p.Ala906Val (NM_012102.4); short protein forms A352V, A906V.
Identifiers: ClinVar variation 3358069 (VCV003358069.1).

ClinVar aggregate classification (germline): Uncertain significance (0 of 4 stars; one submission).

Conditions:
RERE-related disorder. Also called: RERE-Related Disorders; RERE-related condition. Identifiers: MedGen CN381537.

Submission:

PreventionGenetics, part of Exact Sciences
Classification: Uncertain significance for RERE-related condition. Last evaluated: 2024-04-28. Review status: no assertion criteria provided. Collection method: clinical testing. Allele origin: germline.
Comment: The RERE c.2717C>T variant is predicted to result in the amino acid substitution p.Ala906Val. To our knowledge, this variant has not been reported in the literature. This variant is reported in 0.0083% of alleles in individuals of African descent in gnomAD. At this time, the clinical significance of this variant is uncertain due to the absence of conclusive functional and genetic evidence.